The following is an entry in ClinVar:

ClinVar aggregate classification (germline): Likely benign (1 of 4 stars; one submission).

Allele frequency attached by ClinVar (database versions not stated): 1000 Genomes Project 30x 0.00141; 1000 Genomes Project 0.00160; TOPMed 0.00225; ESP Exome Variant Server 0.00261; gnomAD 0.00274; ExAC 0.00354; gnomAD exomes 0.00417.
gnomAD v4.1: 6,439 of 1,614,058 alleles (0.4%); highest among the groups gnomAD compares: Non-Finnish European, 0.45%; 22 homozygotes.

Submission:

CeGaT Center for Human Genetics Tuebingen
Classification: Likely benign. Last evaluated: 2022-06-01. Review status: criteria provided, single submitter. Criteria: CeGaT Center For Human Genetics Tuebingen Variant Classification Criteria Version 2. Collection method: clinical testing. Allele origin: germline. Affected: yes. Observed: 1 variant allele.
Comment: LRIG3: BP4, BP7

NM_153377.5(LRIG3):c.1380G>A (p.Ala460=)

Gene: LRIG3 (leucine rich repeats and immunoglobulin like domains 3; minus strand). Cytogenetic location: 12q14.1.
Variant type: single nucleotide variant.
Coding change: c.1380G>A on transcript NM_153377.5 (MANE Select); coding-DNA position 1380, G replaced by A.
Protein change: p.Ala460=; no amino-acid change (alanine 460 retained).
Molecular consequence: synonymous variant.
Genome position (GRCh38, 1-based): chr12:58,882,969, C>T on the plus strand (G>A on the coding strand, the complement: LRIG3 is on the minus strand). VCF-style: chr12-58882969-C-T. GRCh37 (hg19) VCF-style: chr12-59276751-C-T.
Other names: c.1200G>A, p.Ala400= (NM_001136051.3).
Identifiers: ClinVar variation 2643155 (VCV002643155.24), dbSNP rs138679764, ClinGen allele CA6661481.